The following is an entry in ClinVar:

ClinVar aggregate classification (germline): Likely benign (0 of 4 stars; one submission).

Conditions:
IRF3-related disorder. Also called: IRF3-related condition.

Allele frequency attached by ClinVar (database versions not stated): 1000 Genomes Project 0.00020; gnomAD 0.00021; gnomAD exomes 0.00025; 1000 Genomes Project 30x 0.00031; TOPMed 0.00048; ExAC 0.00104.
gnomAD v4.1: 378 of 1,614,056 alleles (0.023%); highest among the groups gnomAD compares: Admixed American, 0.62%; 3 homozygotes.

Submission:

PreventionGenetics, part of Exact Sciences
Classification: Likely benign for IRF3-related condition. Last evaluated: 2024-02-20. Review status: no assertion criteria provided. Collection method: clinical testing. Allele origin: germline.
Comment: This variant is classified as likely benign based on ACMG/AMP sequence variant interpretation guidelines (Richards et al. 2015 PMID: 25741868, with internal and published modifications).

NM_001571.6(IRF3):c.380A>G (p.Asn127Ser)

Gene: IRF3 (interferon regulatory factor 3; minus strand). Cytogenetic location: 19q13.33.
Variant type: single nucleotide variant.
Coding change: c.380A>G on transcript NM_001571.6 (MANE Select); coding-DNA position 380, A replaced by G.
Protein change: p.Asn127Ser; replaces asparagine 127 with serine.
Molecular consequence: missense variant. On other transcripts: 5 prime UTR variant (4), non-coding transcript variant (1).
Genome position (GRCh38, 1-based): chr19:49,663,216, T>C on the plus strand (A>G on the coding strand, the complement: IRF3 is on the minus strand). VCF-style: chr19-49663216-T-C. GRCh37 (hg19) VCF-style: chr19-50166473-T-C.
Other names: c.380A>G, p.Asn127Ser (NM_001197122.2, NM_001197124.2); c.275A>G, p.Asn92Ser (NM_001197123.2); c.-59A>G (NM_001197125.2, NM_001197126.2, NM_001197127.2 and 1 more transcripts); short protein forms N127S, N92S.
Identifiers: ClinVar variation 3055849 (VCV003055849.2), dbSNP rs137902370, ClinGen allele CA9580454.